The following is an entry in ClinVar:

NM_003334.4(UBA1):c.191A>G (p.His64Arg)

Genes: UBA1 (ubiquitin like modifier activating enzyme 1; plus strand), LOC126863253 (CDK7 strongly-dependent group 2 enhancer GRCh37_chrX:47057593-47058792; plus strand). Cytogenetic location: Xp11.3.
Variant type: single nucleotide variant.
Coding change: c.191A>G on transcript NM_003334.4 (MANE Select); coding-DNA position 191, A replaced by G.
Protein change: p.His64Arg; replaces histidine 64 with arginine.
Molecular consequence: missense variant.
Genome position (GRCh38, 1-based): chrX:47,199,223, A>G. VCF-style: chrX-47199223-A-G. GRCh37 (hg19) VCF-style: chrX-47058622-A-G.
Other names: c.191A>G, p.His64Arg (NM_153280.3); short protein forms H64R.
Identifiers: ClinVar variation 3680300 (VCV003680300.2).
Genomic context (GRCh38, chrX:47,199,223, plus strand): 5'-GTTGGGTGGGGCAGGCCCTGACCTAGAGTACCCCCTAACCTGGCAGGTATGTGTTGGGCC[A>G]TGAGGCAATGAAGCGGCTCCAGACATCCAGTGTCCTGGTATCAGGCCTGCGGGGCCTGGG-3'
Protein context (NP_003325.2, residues 54-74): LYSRQLYVLG[His64Arg]EAMKRLQTSS

ClinVar aggregate classification (germline): Uncertain significance (1 of 4 stars; one submission).

Conditions:
Infantile-onset X-linked spinal muscular atrophy. Also called: ARTHROGRYPOSIS, X-LINKED, TYPE I; SPINAL MUSCULAR ATROPHY, X-LINKED LETHAL INFANTILE; AMC, DISTAL, X-LINKED; Spinal muscular atrophy, X-linked 2; Spinal Muscular Atrophy, X-Linked Infantile. Identifiers: Orphanet 1145, MedGen C1844934, MONDO:0010532, OMIM 301830.

Submission:

Labcorp Genetics (formerly Invitae), Labcorp
Classification: Uncertain significance for Infantile-onset X-linked spinal muscular atrophy. Last evaluated: 2024-10-21. Review status: criteria provided, single submitter. Criteria: Invitae Variant Classification Sherloc (09022015). Collection method: clinical testing. Allele origin: germline.
Comment: This sequence change replaces histidine, which is basic and polar, with arginine, which is basic and polar, at codon 64 of the UBA1 protein (p.His64Arg). This variant is not present in population databases (gnomAD no frequency). This variant has not been reported in the literature in individuals affected with UBA1-related conditions. An algorithm developed to predict the effect of missense changes on protein structure and function (PolyPhen-2) suggests that this variant is likely to be tolerated. In summary, the available evidence is currently insufficient to determine the role of this variant in disease. Therefore, it has been classified as a Variant of Uncertain Significance.